The following is an entry in ClinVar:

ClinVar aggregate classification (germline): Conflicting classifications of pathogenicity. Review status: criteria provided, conflicting classifications (1 of 4 stars). 4 submissions from 4 submitters: Uncertain significance (3); Benign (1). Last evaluated 2026-08-04.

Conditions:
Ehlers-Danlos syndrome, classic type, 1 (EDSCL1). Also called: EHLERS-DANLOS SYNDROME, GRAVIS TYPE; EHLERS-DANLOS SYNDROME, SEVERE CLASSIC TYPE; Ehlers-Danlos syndrome, type 1; Ehlers-Danlos Syndrome, Classic Type, COL5A1-Related; EDS I. Identifiers: MedGen C0268335, MONDO:0019567, OMIM 130000.
Familial thoracic aortic aneurysm and aortic dissection (TAAD). Also called: Thoracic aortic aneurysms and dissections. Identifiers: Orphanet 91387, MedGen C4707243, MONDO:0019625.

Allele frequency attached by ClinVar (database versions not stated): TOPMed 0.00015; gnomAD exomes 0.00001.
gnomAD v4.1: 34 of 1,303,136 alleles (0.0026%); highest among the groups gnomAD compares: African/African-American, 0.049%; no homozygotes.

Submissions (4):

Ambry Genetics
Classification: Uncertain significance for Familial thoracic aortic aneurysm and aortic dissection. Last evaluated: 2026-08-04. Review status: criteria provided, single submitter. Criteria: Ambry Variant Classification Scheme 2023. Collection method: clinical testing. Allele origin: germline.
Comment: The c.26C>A (p.A9E) alteration is located in exon 1 (coding exon 1) of the COL5A1 gene. This alteration results from a C to A substitution at nucleotide position 26, causing the alanine (A) at amino acid position 9 to be replaced by a glutamic acid (E). Based on data from gnomAD, the A allele has an overall frequency of 0.004% (3/84410) total alleles studied. The highest observed frequency was 0.022% (2/9026) of African alleles. Based on insufficient or conflicting evidence, the clinical significance of this alteration remains unclear.

Labcorp Genetics (formerly Invitae), Labcorp
Classification: Benign for Ehlers-Danlos syndrome, classic type, 1. Last evaluated: 2025-11-03. Review status: criteria provided, single submitter. Criteria: Invitae Variant Classification Sherloc (09022015). Collection method: clinical testing. Allele origin: germline.

GeneDx
Classification: Uncertain significance. Last evaluated: 2023-05-02. Review status: criteria provided, single submitter. Criteria: GeneDx Variant Classification Process June 2021. Collection method: clinical testing. Allele origin: germline. Affected: yes.
Comment: Has not been previously published as pathogenic or benign to our knowledge; Not observed at significant frequency in large population cohorts (gnomAD); In silico analysis supports that this missense variant does not alter protein structure/function; Not located in the triple helical region, where the majority of pathogenic missense variants occur (Symoens et al., 2012; HGMD); This variant is associated with the following publications: (PMID: 22696272)

Human Genome Sequencing Center Clinical Lab, Baylor College of Medicine
Classification: Uncertain significance for Ehlers-Danlos syndrome, classic type I. Review status: criteria provided, single submitter. Criteria: ACMG Guidelines, 2015. Collection method: clinical testing. Allele origin: germline.

NM_000093.5(COL5A1):c.26C>A (p.Ala9Glu)

Gene: COL5A1 (collagen type V alpha 1 chain; plus strand). Cytogenetic location: 9q34.3.
Variant type: single nucleotide variant.
Coding change: c.26C>A on transcript NM_000093.5 (MANE Select); coding-DNA position 26, C replaced by A.
Protein change: p.Ala9Glu; replaces alanine 9 with glutamic acid.
Molecular consequence: missense variant.
Genome position (GRCh38, 1-based): chr9:134,642,213, C>A. VCF-style: chr9-134642213-C-A. GRCh37 (hg19) VCF-style: chr9-137534059-C-A.
Other names: c.26C>A (NM_000093.3); c.26C>A, p.Ala9Glu (NM_001278074.1); short protein forms A9E.
Identifiers: ClinVar variation 959868 (VCV000959868.15), dbSNP rs900216804, ClinGen allele CA201068565.
Genomic context (GRCh38, chr9:134,642,213, plus strand): 5'-GCGCCCCTGTGCGCCCCGGCCCGCGCCCCGCCGGCATGGACGTCCATACCCGCTGGAAAG[C>A]GCGCAGCGCGCTCCGCCCGGGCGCCCCGCTGCTGCCCCCGCTGCTGCTGCTGCTGCTGTG-3'
Protein context (NP_000084.3, residues 1-19): MDVHTRWK[Ala9Glu]RSALRPGAPL